The following is an entry in ClinVar:

NM_004655.4(AXIN2):c.1054T>C (p.Phe352Leu)

Gene: AXIN2 (axin 2; minus strand). Cytogenetic location: 17q24.1.
Variant type: single nucleotide variant.
Coding change: c.1054T>C on transcript NM_004655.4 (MANE Select); coding-DNA position 1054, T replaced by C.
Protein change: p.Phe352Leu; replaces phenylalanine 352 with leucine.
Molecular consequence: missense variant.
Genome position (GRCh38, 1-based): chr17:65,541,460, A>G on the plus strand (T>C on the coding strand, the complement: AXIN2 is on the minus strand). VCF-style: chr17-65541460-A-G. GRCh37 (hg19) VCF-style: chr17-63537578-A-G.
Other names: c.1054T>C, p.Phe352Leu (NM_001363813.1); short protein forms F352L.
Identifiers: ClinVar variation 4619675 (VCV004619675.2).

ClinVar aggregate classification (germline): Uncertain significance. Review status: criteria provided, multiple submitters, no conflicts (2 of 4 stars). 2 submissions from 2 submitters: Uncertain significance (2). Last evaluated 2025-10-22.

Conditions:
Hereditary cancer-predisposing syndrome. Also called: Neoplastic Syndromes, Hereditary; Tumor predisposition; Hereditary Cancer Syndrome; Hereditary neoplastic syndrome. Identifiers: Orphanet 140162, MedGen C0027672, MeSH D009386, MONDO:0015356.
Oligodontia-cancer predisposition syndrome. Also called: TOOTH AGENESIS-COLORECTAL CANCER SYNDROME. Identifiers: Orphanet 300576, MedGen C1837750, MONDO:0012075, OMIM 608615. Disease mechanism: loss of function.

Submissions (2):

Ambry Genetics
Classification: Uncertain significance for Hereditary cancer-predisposing syndrome. Last evaluated: 2025-10-22. Review status: criteria provided, single submitter. Criteria: Ambry Variant Classification Scheme 2023. Collection method: clinical testing. Allele origin: germline.
Comment: The p.F352L variant (also known as c.1054T>C), located in coding exon 3 of the AXIN2 gene, results from a T to C substitution at nucleotide position 1054. The phenylalanine at codon 352 is replaced by leucine, an amino acid with highly similar properties. This amino acid position is conserved. In addition, this alteration is predicted to be deleterious by in silico analysis. Based on the available evidence, the clinical significance of this variant remains unclear.

Labcorp Genetics (formerly Invitae), Labcorp
Classification: Uncertain significance for Oligodontia-cancer predisposition syndrome. Last evaluated: 2025-07-23. Review status: criteria provided, single submitter. Criteria: Invitae Variant Classification Sherloc (09022015). Collection method: clinical testing. Allele origin: germline.
Comment: This sequence change replaces phenylalanine, which is neutral and non-polar, with leucine, which is neutral and non-polar, at codon 352 of the AXIN2 protein (p.Phe352Leu). This variant is not present in population databases (gnomAD no frequency). This variant has not been reported in the literature in individuals affected with AXIN2-related conditions. Invitae Evidence Modeling of protein sequence and biophysical properties (such as structural, functional, and spatial information, amino acid conservation, physicochemical variation, residue mobility, and thermodynamic stability) has been performed for this missense variant. However, the output from this modeling did not meet the statistical confidence thresholds required to predict the impact of this variant on AXIN2 protein function. In summary, the available evidence is currently insufficient to determine the role of this variant in disease. Therefore, it has been classified as a Variant of Uncertain Significance.